The following is an entry in ClinVar:

ClinVar aggregate classification (germline): Benign (1 of 4 stars; one submission).

Submission:

CeGaT Center for Human Genetics Tuebingen
Classification: Benign. Last evaluated: 2022-11-01. Review status: criteria provided, single submitter. Criteria: CeGaT Center For Human Genetics Tuebingen Variant Classification Criteria Version 2. Collection method: clinical testing. Allele origin: germline. Affected: yes. Observed: 1 variant allele.
Comment: ATP2C1: BS1, BS2

NM_001378687.1(ATP2C1):c.-180-73_-180-47del

Gene: ATP2C1 (ATPase secretory pathway Ca2+ transporting 1; plus strand). Cytogenetic location: 3q22.1.
Variant type: Deletion.
Coding change: c.-180-73_-180-47del on transcript NM_001378687.1 (MANE Select); 73 bases into the intron before 180 bases upstream of the start codon through 47 bases into the intron before 180 bases upstream of the start codon, 27 bases deleted (CGAGATAGTGGCTGGGCGGGGAACTCC).
Molecular consequence: intron variant.
Genome position (GRCh38, 1-based): chr3:130,894,517-130,894,543, CGAGATAGTGGCTGGGCGGGGAACTCC deleted; deleting any 27 consecutive bases within chr3:130,894,513-130,894,543 gives the same sequence; the c. name uses the placement nearest the transcript's 3' end. VCF-style (leftmost placement, unchanged base first): chr3-130894512-GCTCCCGAGATAGTGGCTGGGCGGGGAA-G. GRCh37 (hg19) VCF-style: chr3-130613356-GCTCCCGAGATAGTGGCTGGGCGGGGAA-G.
Other names: c.109-35899_109-35873del (NM_001378511.1, NM_001199180.2, NM_001199182.2 and 1 more transcripts); c.-180-73_-180-47del (NM_001001486.2, NM_001001487.2, NM_001001485.3); c.-63+180_-62-165del (NM_001378512.1, NM_001378513.1, NM_001199179.3); c.-43+180_-43+206del (NM_001378514.1, NM_001199183.2, NM_001199184.3).
Identifiers: ClinVar variation 2654148 (VCV002654148.22), dbSNP rs973803642, ClinGen allele CA83550675.